The following is an entry in ClinVar:

NM_001101648.2(NPC1L1):c.816C>G (p.Leu272=)

Gene: NPC1L1 (NPC1 like intracellular cholesterol transporter 1; minus strand). Cytogenetic location: 7p13.
Variant type: single nucleotide variant.
Coding change: c.816C>G on transcript NM_001101648.2 (MANE Select); coding-DNA position 816, C replaced by G.
Protein change: p.Leu272=; no amino-acid change (leucine 272 retained).
Molecular consequence: synonymous variant.
Genome position (GRCh38, 1-based): chr7:44,539,581, G>C on the plus strand (C>G on the coding strand, the complement: NPC1L1 is on the minus strand). VCF-style: chr7-44539581-G-C. GRCh37 (hg19) VCF-style: chr7-44579180-G-C.
Other names: c.816C>G, p.Leu272= (NM_001300967.2, NM_013389.3).
Identifiers: ClinVar variation 403258 (VCV000403258.6), dbSNP rs2072183, ClinGen allele CA4242353.

ClinVar aggregate classification (germline): Benign. Review status: criteria provided, single submitter (1 of 4 stars). 2 submissions from 2 submitters: Benign (1). 1 of the submissions does not count toward it. Last evaluated 2016-03-29.

Conditions:
Statins, attenuated cholesterol lowering by. Identifiers: MedGen C1840531.

Allele frequency attached by ClinVar (database versions not stated): ESP Exome Variant Server 0.22290; TOPMed 0.22457; gnomAD 0.23523 and 0.23707; 1000 Genomes Project 30x 0.24656; 1000 Genomes Project 0.24720; ExAC 0.24775.
gnomAD v4.1: 375,359 of 1,613,858 alleles (23%); highest among the groups gnomAD compares: East Asian, 37%; 45,308 homozygotes.

Submissions (2):

Laboratory for Molecular Medicine, Mass General Brigham Personalized Medicine
Classification: Benign. Last evaluated: 2016-03-29. Review status: criteria provided, single submitter. Criteria: LMM Criteria. Collection method: clinical testing. Allele origin: germline.
Comment: Variant identified in a genome or exome case(s) and assessed due to predicted null impact of the variant or pathogenic assertions in the literature or databases. Disclaimer: This variant has not undergone full assessment. The following are preliminary notes: Frequency

Department of Cardiology, Chinese Academy of Medical Sciences, Fuwai Hospital
Classification: drug response for Statins, attenuated cholesterol lowering by. Last evaluated: 2022-11-01. Review status: no assertion criteria provided. Collection method: research. Allele origin: germline. Observed: 289 heterozygotes, 78 homozygotes. Not counted in ClinVar's aggregate classification.